The following is an entry in ClinVar:

ClinVar aggregate classification (germline): Pathogenic (1 of 4 stars; one submission).

Conditions:
Birt-Hogg-Dube syndrome. Also called: Birt Hogg Dubé syndrome. Identifiers: Orphanet 122, MedGen C0346010, MONDO:0800444.

Submission:

Labcorp Genetics (formerly Invitae), Labcorp
Classification: Pathogenic for Birt-Hogg-Dube syndrome. Last evaluated: 2021-08-31. Review status: criteria provided, single submitter. Criteria: Invitae Variant Classification Sherloc (09022015). Collection method: clinical testing. Allele origin: germline.
Comment: This variant is a gross deletion of the genomic region encompassing exon(s) 12-13 of the FLCN gene. While this deletion is not anticipated to lead to nonsense mediated decay, it is expected to disrupt the C-terminus of the protein. This variant has not been reported in the literature in individuals affected with FLCN-related conditions. This variant disrupts a region of the FLCN protein in which other variant(s) (p.Arg527*) have been determined to be pathogenic (PMID: 15852235, 17028174, 18403135). This suggests that this is a clinically significant region of the protein, and that variants that disrupt it are likely to be disease-causing. For these reasons, this variant has been classified as Pathogenic.

Literature cited by the submitters: PubMed 15852235; PubMed 17028174; PubMed 18403135.

NC_000017.11:g.(?_17214975)_(17215326_?)del

Gene: FLCN (folliculin; minus strand). Cytogenetic location: 17p11.2.
Variant type: Deletion.
Identifiers: ClinVar variation 832607 (VCV000832607.2).